The following is an entry in ClinVar:

ClinVar aggregate classification (germline): Uncertain significance. Review status: criteria provided, multiple submitters, no conflicts (2 of 4 stars). 3 submissions from 3 submitters: Uncertain significance (3). Last evaluated 2024-05-29.

Conditions:
Inborn genetic diseases. Identifiers: MedGen C0950123, MeSH D030342.

Allele frequency attached by ClinVar (database versions not stated): gnomAD 0.00005; ExAC 0.00007; ESP Exome Variant Server 0.00008.

Submissions (3):

Blueprint Genetics
Classification: Uncertain significance. Last evaluated: 2024-05-29. Review status: criteria provided, single submitter. Criteria: ACMG Guidelines, 2015. Collection method: clinical testing. Allele origin: germline.

Labcorp Genetics (formerly Invitae), Labcorp
Classification: Uncertain significance. Last evaluated: 2022-02-17. Review status: criteria provided, single submitter. Criteria: Invitae Variant Classification Sherloc (09022015). Collection method: clinical testing. Allele origin: germline.
Comment: This sequence change replaces arginine, which is basic and polar, with histidine, which is basic and polar, at codon 196 of the PEPD protein (p.Arg196His). This variant is present in population databases (rs374162516, gnomAD 0.008%). This variant has not been reported in the literature in individuals affected with PEPD-related conditions. Algorithms developed to predict the effect of missense changes on protein structure and function are either unavailable or do not agree on the potential impact of this missense change (SIFT: "Deleterious"; PolyPhen-2: "Probably Damaging"; Align-GVGD: "Class C0"). In summary, the available evidence is currently insufficient to determine the role of this variant in disease. Therefore, it has been classified as a Variant of Uncertain Significance.

Ambry Genetics
Classification: Uncertain significance for Inborn genetic diseases. Last evaluated: 2022-01-06. Review status: criteria provided, single submitter. Criteria: Ambry Variant Classification Scheme 2023. Collection method: clinical testing. Allele origin: germline.

NM_000285.4(PEPD):c.587G>A (p.Arg196His)

Gene: PEPD (peptidase D; minus strand). Cytogenetic location: 19q13.11.
Variant type: single nucleotide variant.
Coding change: c.587G>A on transcript NM_000285.4 (MANE Select); coding-DNA position 587, G replaced by A.
Protein change: p.Arg196His; replaces arginine 196 with histidine.
Molecular consequence: missense variant. On other transcripts: intron variant (1).
Genome position (GRCh38, 1-based): chr19:33,464,024, C>T on the plus strand (G>A on the coding strand, the complement: PEPD is on the minus strand). VCF-style: chr19-33464024-C-T. GRCh37 (hg19) VCF-style: chr19-33954930-C-T.
Other names: c.395G>A, p.Arg132His (NM_001166057.2); c.548+14022G>A (NM_001166056.2); short protein forms R196H, R132H.
Identifiers: ClinVar variation 2142283 (VCV002142283.3), dbSNP rs374162516, ClinGen allele CA9364230.
Genomic context (GRCh38, chr19:33,464,024, plus strand): 5'-ACCAGAGCCGGTGCCTGACTTACCTCACGGTGGGCCTCGCTGGAGATTTTATTGGTATAG[C>T]GCAGAACCTCCAGCTCCATATCCGTCTTAAACACTCGGCTTCAGAGACAGAAGAACAAAG-3'
Protein context (NP_000276.2, residues 186-206): FKTDMELEVL[Arg196His]YTNKISSEAH